The following is an entry in ClinVar:

ClinVar aggregate classification (germline): Pathogenic (1 of 4 stars; one submission).

Submission:

Mayo Clinic Laboratories, Mayo Clinic
Classification: Pathogenic. Last evaluated: 2025-04-28. Review status: criteria provided, single submitter. Criteria: ACMG Guidelines, 2015. Collection method: clinical testing. Allele origin: germline. Observed: 1 variant allele.
Comment: PP4, PM2_supporting, PVS1

NM_001042492.3(NF1):c.5035_5036del (p.Ile1679fs)

Gene: NF1 (neurofibromin 1; plus strand). Cytogenetic location: 17q11.2.
Variant type: Microsatellite.
Coding change: c.5035_5036del on transcript NM_001042492.3 (MANE Select); coding-DNA positions 5035 to 5036, 2 bases deleted (AT; older notation c.5035_5036delAT).
Protein change: p.Ile1679fs; shifts the reading frame from isoleucine 1679.
Molecular consequence: frameshift variant.
Genome position (GRCh38, 1-based): chr17:31,326,019-31,326,020, AT deleted; deleting any 2 consecutive bases within chr17:31,326,016-31,326,020 gives the same sequence; the c. name uses the placement nearest the transcript's 3' end. VCF-style (leftmost placement, unchanged base first): chr17-31326015-CTA-C. GRCh37 (hg19) VCF-style: chr17-29653033-CTA-C.
Other names: p.Ile1658Leufs*2; c.4972_4973del (NM_000267.3); c.4970_4971AT[1], p.Ile1658Leufs (NM_000267.3); c.4972_4973del, p.Ile1658fs (NM_000267.4); short protein forms I1658fs, I1679fs.
Identifiers: ClinVar variation 4542145 (VCV004542145.1).